The following is an entry in ClinVar:

NM_001036.6(RYR3):c.3725C>T (p.Pro1242Leu)

Gene: RYR3 (ryanodine receptor 3; plus strand). Cytogenetic location: 15q14.
Variant type: single nucleotide variant.
Coding change: c.3725C>T on transcript NM_001036.6 (MANE Select); coding-DNA position 3725, C replaced by T.
Protein change: p.Pro1242Leu; replaces proline 1242 with leucine.
Molecular consequence: missense variant.
Genome position (GRCh38, 1-based): chr15:33,644,479, C>T. VCF-style: chr15-33644479-C-T. GRCh37 (hg19) VCF-style: chr15-33936680-C-T.
Other names: c.3725C>T, p.Pro1242Leu (NM_001243996.4); short protein forms P1242L.
Identifiers: ClinVar variation 648277 (VCV000648277.8), dbSNP rs1274128199, ClinGen allele CA391576527.

ClinVar aggregate classification (germline): Uncertain significance (1 of 4 stars; one submission).

Conditions:
Epileptic encephalopathy. Identifiers: MedGen C0543888, HP:0200134.

Allele frequency attached by ClinVar (database versions not stated): gnomAD 0.00001; gnomAD exomes 0.00001; TOPMed 0.00003.
gnomAD v4.1: 14 of 1,613,698 alleles (0.00087%); highest among the groups gnomAD compares: South Asian, 0.0044%; no homozygotes.

Submission:

Labcorp Genetics (formerly Invitae), Labcorp
Classification: Uncertain significance for Epileptic encephalopathy. Last evaluated: 2022-07-05. Review status: criteria provided, single submitter. Criteria: Invitae Variant Classification Sherloc (09022015). Collection method: clinical testing. Allele origin: germline.
Comment: In summary, the available evidence is currently insufficient to determine the role of this variant in disease. Therefore, it has been classified as a Variant of Uncertain Significance. Algorithms developed to predict the effect of missense changes on protein structure and function (SIFT, PolyPhen-2, Align-GVGD) all suggest that this variant is likely to be disruptive. ClinVar contains an entry for this variant (Variation ID: 648277). This variant has not been reported in the literature in individuals affected with RYR3-related conditions. This variant is present in population databases (no rsID available, gnomAD 0.003%). This sequence change replaces proline, which is neutral and non-polar, with leucine, which is neutral and non-polar, at codon 1242 of the RYR3 protein (p.Pro1242Leu).